The following is an entry in ClinVar:

ClinVar aggregate classification (germline): Likely pathogenic (1 of 4 stars; one submission).

Conditions:
Autosomal recessive nonsyndromic hearing loss 4 (DFNB4). Also called: FOXI1-Related Pendred Syndrome; KCNJ10-Related Pendred Syndrome; DEAFNESS, AUTOSOMAL RECESSIVE 4, WITH ENLARGED VESTIBULAR AQUEDUCT, DIGENIC; NEUROSENSORY NONSYNDROMIC RECESSIVE DEAFNESS 4; Nonsyndromic enlarged vestibular aqueduct (NSEVA); Enlarged vestibular aqueduct, digenic. Identifiers: Orphanet 90636, MedGen C3538946, MONDO:0010933, OMIM 600791.

Submission:

Equipe Genetique des Anomalies du Developpement, Université de Bourgogne
Classification: Likely pathogenic for Autosomal recessive nonsyndromic hearing loss 4. Last evaluated: 2024-07-10. Review status: criteria provided, single submitter. Criteria: ACMG Guidelines, 2015. Collection method: clinical testing. Allele origin: germline. Affected: yes.
Comment: This frameshift deletion resulting in a stop codon is situated in the Sulfate_transp protein domain and impacts a highly conserved amino acid. This variant has not yet been reported in ClinVar. This deletion has been reported once in gnomAD exomes and is not present in a homozygous state in gnomAD (v4.1.0). Biallelic pathogenic variants in the SLC26A4 gene are implicated in an autosomal recessive form of deafness with enlarged vestibular aqueduct, DFNB4 (OMIM #600791) and Pendred syndrome (OMIM #274600). According to the available data, this variant is considered to be likely pathogenic.

NM_000441.2(SLC26A4):c.929del (p.Ala310fs)

Gene: SLC26A4 (solute carrier family 26 member 4; plus strand). Cytogenetic location: 7q22.3.
Variant type: Deletion.
Coding change: c.929del on transcript NM_000441.2 (MANE Select); coding-DNA position 929, one base deleted (C; older notation c.929delC).
Protein change: p.Ala310fs; shifts the reading frame from alanine 310.
Molecular consequence: frameshift variant.
Genome position (GRCh38, 1-based): chr7:107,683,465, C deleted. VCF-style (leftmost placement, unchanged base first): chr7-107683464-GC-G. GRCh37 (hg19) VCF-style: chr7-107323909-GC-G.
Other names: short protein forms A310fs.
Identifiers: ClinVar variation 3375471 (VCV003375471.2).
Genomic context (GRCh38, chr7:107,683,464, plus strand): 5'-AAGGAATTATTAAAACCAATGGAGTTTTTAACATCTTTTGTTTTATTTCAGACGATAATT[GC>G]TACTGCCATTTCATATGGAGCCAACCTGGAAAAAAATTACAATGCTGGCATTGTTAAATC-3'